The following is an entry in ClinVar:

ClinVar aggregate classification (germline): Uncertain significance (1 of 4 stars; one submission).

gnomAD v4.1: 70 of 1,613,876 alleles (0.0043%); highest among the groups gnomAD compares: Admixed American, 0.0067%; no homozygotes.

Submission:

Labcorp Genetics (formerly Invitae), Labcorp
Classification: Uncertain significance. Last evaluated: 2025-06-12. Review status: criteria provided, single submitter. Criteria: Invitae Variant Classification Sherloc (09022015). Collection method: clinical testing. Allele origin: germline.
Comment: This sequence change replaces glycine, which is neutral and non-polar, with valine, which is neutral and non-polar, at codon 104 of the ROBO1 protein (p.Gly104Val). This variant is present in population databases (rs761825844, gnomAD 0.01%). This variant has not been reported in the literature in individuals affected with ROBO1-related conditions. ClinVar contains an entry for this variant (Variation ID: 2969669). An algorithm developed to predict the effect of missense changes on protein structure and function (PolyPhen-2) suggests that this variant is likely to be disruptive. In summary, the available evidence is currently insufficient to determine the role of this variant in disease. Therefore, it has been classified as a Variant of Uncertain Significance.

NM_002941.4(ROBO1):c.311G>T (p.Gly104Val)

Gene: ROBO1 (roundabout guidance receptor 1; minus strand). Cytogenetic location: 3p12.3.
Variant type: single nucleotide variant.
Coding change: c.311G>T on transcript NM_002941.4 (MANE Select); coding-DNA position 311, G replaced by T.
Protein change: p.Gly104Val; replaces glycine 104 with valine.
Molecular consequence: missense variant.
Genome position (GRCh38, 1-based): chr3:78,938,789, C>A on the plus strand (G>T on the coding strand, the complement: ROBO1 is on the minus strand). VCF-style: chr3-78938789-C-A. GRCh37 (hg19) VCF-style: chr3-78987939-C-A.
Other names: c.194G>T, p.Gly65Val (NM_001145844.1, NM_001145845.2, NM_133631.4); short protein forms G65V, G104V.
Identifiers: ClinVar variation 2969669 (VCV002969669.3), dbSNP rs761825844, ClinGen allele CA2499288.